The following is an entry in ClinVar:

ClinVar aggregate classification (germline): Likely pathogenic. Review status: criteria provided, single submitter (1 of 4 stars). 2 submissions from 2 submitters: Likely pathogenic (1). 1 of the submissions does not count toward it. Last evaluated 2022-03-04.

Conditions:
Charlevoix-Saguenay spastic ataxia (SACS). Also called: AUTOSOMAL RECESSIVE SPASTIC ATAXIA OF CHARLEVOIX-SAGUENAY; SPASTIC ATAXIA 6, AUTOSOMAL RECESSIVE; Spastic ataxia of Charlevoix-Saguenay. Identifiers: Orphanet 98, MedGen C1849140, MONDO:0010041, OMIM 270550.

Submissions (2):

Women's Health and Genetics/Laboratory Corporation of America, LabCorp
Classification: Likely pathogenic for Charlevoix-Saguenay spastic ataxia. Last evaluated: 2022-03-04. Review status: criteria provided, single submitter. Criteria: LabCorp Variant Classification Summary - May 2015. Collection method: clinical testing. Allele origin: germline.
Comment: Variant summary: SACS c.1276_1277dupTT (p.Leu426PhefsX53) results in a premature termination codon, predicted to cause a truncation of the encoded protein or absence of the protein due to nonsense mediated decay, which are commonly known mechanisms for disease. Truncations downstream of this position have been classified as pathogenic by our laboratory. The variant was absent in 251414 control chromosomes (gnomAD). To our knowledge, no occurrence of c.1276_1277dupTT in individuals affected with Autosomal Recessive Spastic Ataxia Of Charlevoix-Saguenay and no experimental evidence demonstrating its impact on protein function have been reported. One clinical diagnostic laboratory has submitted clinical-significance assessments for this variant to ClinVar after 2014 and classified the variant as likely pathogenic. Based on the evidence outlined above, the variant was classified as likely pathogenic.

Counsyl
Classification: Likely pathogenic for Charlevoix-Saguenay spastic ataxia. Last evaluated: 2016-01-13. Review status: no assertion criteria provided. Collection method: clinical testing. Allele origin: unknown. Not counted in ClinVar's aggregate classification.

NM_014363.6(SACS):c.1276_1277dup (p.Leu426fs)

Gene: SACS (sacsin molecular chaperone; minus strand). Cytogenetic location: 13q12.12.
Variant type: Duplication.
Coding change: c.1276_1277dup on transcript NM_014363.6 (MANE Select); coding-DNA positions 1276 to 1277, 2 bases duplicated (TT; older notation c.1276_1277dupTT).
Protein change: p.Leu426fs; shifts the reading frame from leucine 426.
Molecular consequence: frameshift variant.
Genome position (GRCh38, 1-based): chr13:23,355,335-23,355,336, AA duplicated on the plus strand (TT on the coding strand, the reverse complement: SACS is on the minus strand); duplicating any 2 consecutive bases within chr13:23,355,335-23,355,337 gives the same sequence; the c. name uses the placement nearest the transcript's 3' end. VCF-style (leftmost placement, unchanged base first): chr13-23355334-T-TAA. GRCh37 (hg19) VCF-style: chr13-23929473-T-TAA.
Other names: c.835_836dup, p.Leu279fs (NM_001278055.2); short protein forms L279fs, L426fs.
Identifiers: ClinVar variation 370332 (VCV000370332.4), dbSNP rs1057516406, ClinGen allele CA16041652.
Genomic context (GRCh38, chr13:23,355,334, plus strand): 5'-ACAAAATGCTTTTCCTGAGAAATCAGACGTTGCTCCTTTTGCTTCATCATCTCTGCTTGA[T>TAA]AAAGGCATGGCTATTCCAATGATTGGGACAAATTTCAGTTCATCAGCTAAAGAGTCAAGC-3'